The following is an entry in ClinVar:

NM_024926.4(IFT56):c.1371C>T (p.Ser457=)

Gene: IFT56 (intraflagellar transport 56; plus strand). Cytogenetic location: 7q34.
Variant type: single nucleotide variant.
Coding change: c.1371C>T on transcript NM_024926.4 (MANE Select); coding-DNA position 1371, C replaced by T.
Protein change: p.Ser457=; no amino-acid change (serine 457 retained).
Molecular consequence: synonymous variant.
Genome position (GRCh38, 1-based): chr7:139,181,150, C>T. VCF-style: chr7-139181150-C-T. GRCh37 (hg19) VCF-style: chr7-138865896-C-T.
Other names: c.1371C>T, p.Ser457= (NM_001144920.3); c.1278C>T, p.Ser426= (NM_001144923.3); c.978C>T, p.Ser326= (NM_001287512.2); c.1056C>T, p.Ser352= (NM_001287513.2); c.951C>T, p.Ser317= (NM_001318333.2); c.1341C>T, p.Ser447= (NM_001321740.2); c.1053C>T, p.Ser351= (NM_001321741.2); c.1371C>T (NM_024926.3).
Identifiers: ClinVar variation 4793914 (VCV004793914.2).

ClinVar aggregate classification (germline): Likely benign. Review status: criteria provided, multiple submitters, no conflicts (2 of 4 stars). 2 submissions from 2 submitters: Likely benign (2). Last evaluated 2025-11-21.

Conditions:
IFT56-related disorder. Also called: IFT56-related condition.

gnomAD v4.1: 114 of 1,613,142 alleles (0.0071%); highest among the groups gnomAD compares: African/African-American, 0.13%; no homozygotes.

Submissions (2):

PreventionGenetics, part of Exact Sciences
Classification: Likely benign for IFT56-related condition. Last evaluated: 2025-11-21. Review status: criteria provided, single submitter. Criteria: ACMG Guidelines, 2015. Collection method: clinical testing. Allele origin: germline.
Comment: This variant is classified as likely benign based on ACMG/AMP sequence variant interpretation guidelines (Richards et al. 2015 PMID: 25741868, with internal and published modifications).

Labcorp Genetics (formerly Invitae), Labcorp
Classification: Likely benign. Last evaluated: 2024-11-13. Review status: criteria provided, single submitter. Criteria: Invitae Variant Classification Sherloc (09022015). Collection method: clinical testing. Allele origin: germline.